The following is an entry in ClinVar:

NM_000051.4(ATM):c.314T>A (p.Ile105Asn)

Gene: ATM (ATM serine/threonine kinase; plus strand). Cytogenetic location: 11q22.3.
Variant type: single nucleotide variant.
Coding change: c.314T>A on transcript NM_000051.4 (MANE Select); coding-DNA position 314, T replaced by A.
Protein change: p.Ile105Asn; replaces isoleucine 105 with asparagine.
Molecular consequence: missense variant.
Genome position (GRCh38, 1-based): chr11:108,229,306, T>A. VCF-style: chr11-108229306-T-A. GRCh37 (hg19) VCF-style: chr11-108100033-T-A.
Other names: c.314T>A, p.Ile105Asn (NM_001351834.2, NM_001351835.2, NM_001351836.2); short protein forms I105N.
Identifiers: ClinVar variation 1721369 (VCV001721369.5), dbSNP rs2135037917, ClinGen allele CA382521769.

ClinVar aggregate classification (germline): Uncertain significance (1 of 4 stars; one submission).

Conditions:
Ataxia-telangiectasia syndrome (AT). Also called: Ataxia-telangiectasia, complementation group D; Ataxia telangiectasia (A-T); ATAXIA-TELANGIECTASIA, COMPLEMENTATION GROUP A; LOUIS-BAR SYNDROME; Cerebello-oculocutaneous telangiectasia; Immunodeficiency with ataxia telangiectasia. Identifiers: Orphanet 100, MedGen C0004135, MONDO:0008840, OMIM 208900.

Submission:

Labcorp Genetics (formerly Invitae), Labcorp
Classification: Uncertain significance for Ataxia-telangiectasia syndrome. Last evaluated: 2022-10-10. Review status: criteria provided, single submitter. Criteria: Invitae Variant Classification Sherloc (09022015). Collection method: clinical testing. Allele origin: germline.
Comment: Algorithms developed to predict the effect of missense changes on protein structure and function (SIFT, PolyPhen-2, Align-GVGD) all suggest that this variant is likely to be disruptive. This variant has not been reported in the literature in individuals affected with ATM-related conditions. This variant is not present in population databases (gnomAD no frequency). This sequence change replaces isoleucine, which is neutral and non-polar, with asparagine, which is neutral and polar, at codon 105 of the ATM protein (p.Ile105Asn). In summary, the available evidence is currently insufficient to determine the role of this variant in disease. Therefore, it has been classified as a Variant of Uncertain Significance.